The following is an entry in ClinVar:

ClinVar aggregate classification (germline): Pathogenic/Likely pathogenic. Review status: criteria provided, multiple submitters, no conflicts (2 of 4 stars). 3 submissions from 3 submitters: Pathogenic (1); Likely pathogenic (2). Last evaluated 2026-01-13.

Conditions:
Bloom syndrome (BLM). Also called: Bloom-Torre-Machacek syndrome. Identifiers: Orphanet 125, MedGen C0005859, MONDO:0008876, OMIM 210900.

Allele frequency attached by ClinVar (database versions not stated): TOPMed below 0.00001; gnomAD 0.00001.

Submissions (3):

Labcorp Genetics (formerly Invitae), Labcorp
Classification: Likely pathogenic for Bloom syndrome. Last evaluated: 2026-01-13. Review status: criteria provided, single submitter. Criteria: Invitae Variant Classification Sherloc (09022015). Collection method: clinical testing. Allele origin: germline.
Comment: This sequence change falls in intron 15 of the BLM gene. It does not directly change the encoded amino acid sequence of the BLM protein. RNA analysis indicates that this variant induces altered splicing and may result in an absent or altered protein product. This variant is present in population databases (no rsID available, gnomAD 0.007%). This variant has been observed in individual(s) with Bloom syndrome (PMID: 33073370). In at least one individual the data is consistent with being in trans (on the opposite chromosome) from a pathogenic variant. ClinVar contains an entry for this variant (Variation ID: 978065). Studies have shown that this variant results in activation of a cryptic splice site, and produces a non-functional protein and/or introduces a premature termination codon (PMID: 33073370). In summary, the currently available evidence indicates that the variant is pathogenic, but additional data are needed to prove that conclusively. Therefore, this variant has been classified as Likely Pathogenic.

Women's Health and Genetics/Laboratory Corporation of America, LabCorp
Classification: Likely pathogenic for Bloom syndrome. Last evaluated: 2023-10-31. Review status: criteria provided, single submitter. Criteria: LabCorp Variant Classification Summary - May 2015. Collection method: clinical testing. Allele origin: germline.
Comment: Variant summary: BLM c.3020-258A>G is located at a position not widely known to affect splicing. Several computational tools predict a significant impact on normal splicing: Four predict the variant creates a 5' donor site. At least one publication reports experimental evidence that this variant affects mRNA splicing (Backers_2021) resulting in a premature stop codon. The variant was absent in 31320 control chromosomes. c.3020-258A>G has been reported in the literature in individuals affected with Bloom Syndrome (Backers_2021). The following publication have been ascertained in the context of this evaluation (PMID: 33073370). Two submitters have cited clinical-significance assessments for this variant to ClinVar after 2014. All submitters classified the variant as pathogenic/likely pathogenic. Based on the evidence outlined above, the variant was classified as likely pathogenic.

Center for Medical Genetics Ghent, University of Ghent
Classification: Pathogenic for Bloom syndrome. Last evaluated: 2020-09-15. Review status: criteria provided, single submitter. Criteria: ACMG Guidelines, 2015. Collection method: research, in vivo. Allele origin: maternal, not applicable. Inheritance: Autosomal recessive inheritance. Affected: yes. Observed: 1 compound heterozygote. Functional consequence: missing protein.
Comment: The deep intronic variant creates a high-quality de novo donor splice site, which leads to retention of two intron segments. Both pseudo-exons introduce a premature stop codon into the reading frame and abolish BLM protein expression completely, confirmed by Western Blot analysis.

Literature cited by the submitters: PubMed 33073370 (cited by Labcorp Genetics (formerly Invitae), Labcorp and Women's Health and Genetics/Laboratory Corporation of America, LabCorp).

NM_000057.4(BLM):c.3020-258A>G

Gene: BLM (BLM RecQ like helicase; plus strand). Cytogenetic location: 15q26.1.
Variant type: single nucleotide variant.
Coding change: c.3020-258A>G on transcript NM_000057.4 (MANE Select); 258 bases into the intron before coding-DNA position 3020, A replaced by G.
Molecular consequence: intron variant.
Genome position (GRCh38, 1-based): chr15:90,793,909, A>G. VCF-style: chr15-90793909-A-G. GRCh37 (hg19) VCF-style: chr15-91337139-A-G.
Other names: c.3020-258A>G (NM_001287246.2, NM_001287247.2); c.1895-258A>G (NM_001287248.2).
Identifiers: ClinVar variation 978065 (VCV000978065.10), dbSNP rs1301751251, ClinGen allele CA619579789.